The following is an entry in ClinVar:

ClinVar aggregate classification (germline): Uncertain significance (1 of 4 stars; one submission).

Allele frequency attached by ClinVar (database versions not stated): TOPMed 0.00002; ExAC 0.00006; gnomAD exomes 0.00009.
gnomAD v4.1: 134 of 1,614,254 alleles (0.0083%); highest among the groups gnomAD compares: Non-Finnish European, 0.011%; no homozygotes.

Submission:

Labcorp Genetics (formerly Invitae), Labcorp
Classification: Uncertain significance. Last evaluated: 2024-04-02. Review status: criteria provided, single submitter. Criteria: Invitae Variant Classification Sherloc (09022015). Collection method: clinical testing. Allele origin: germline.
Comment: This sequence change creates a premature translational stop signal (p.Gln348*) in the UMOD gene. It is expected to result in an absent or disrupted protein product. However, the current clinical and genetic evidence is not sufficient to establish whether loss-of-function variants in UMOD cause disease. This variant is present in population databases (rs199631490, gnomAD 0.009%). This variant has not been reported in the literature in individuals affected with UMOD-related conditions. In summary, the available evidence is currently insufficient to determine the role of this variant in disease. Therefore, it has been classified as a Variant of Uncertain Significance.

NM_003361.4(UMOD):c.1042C>T (p.Gln348Ter)

Gene: UMOD (uromodulin; minus strand). Cytogenetic location: 16p12.3.
Variant type: single nucleotide variant.
Coding change: c.1042C>T on transcript NM_003361.4 (MANE Select); coding-DNA position 1042, C replaced by T.
Protein change: p.Gln348Ter; replaces glutamine 348 with a stop codon.
Molecular consequence: nonsense. On other transcripts: non-coding transcript variant (1).
Genome position (GRCh38, 1-based): chr16:20,346,266, G>A on the plus strand (C>T on the coding strand, the complement: UMOD is on the minus strand). VCF-style: chr16-20346266-G-A. GRCh37 (hg19) VCF-style: chr16-20357588-G-A.
Other names: c.1042C>T, p.Gln348Ter (NM_001008389.3, NM_001378232.1, NM_001378233.1 and 3 more transcripts); c.1141C>T, p.Gln381Ter (NM_001278614.2); short protein forms Q381*, Q348*.
Identifiers: ClinVar variation 2902857 (VCV002902857.3), dbSNP rs199631490, ClinGen allele CA7939312.